The following is an entry in ClinVar:

ClinVar aggregate classification (germline): Pathogenic (1 of 4 stars; one submission).

Submission:

GeneDx
Classification: Pathogenic. Last evaluated: 2017-05-16. Review status: criteria provided, single submitter. Criteria: GeneDx Variant Classification (06012015). Collection method: clinical testing. Allele origin: germline. Affected: yes.
Comment: The c.690_697delAGAAGAGA variant in the UPF3B gene has not been reported previously as a pathogenic variant nor as a benign variant, to our knowledge. The c.690_697delAGAAGAGA variant causes a frameshift starting with codon Arginine 233, changes this amino acid to a Methionine residue, and creates a premature Stop codon at position 30 of the new reading frame, denoted p.Arg233MetfsX30. This variant is predicted to cause loss of normal protein function either through protein truncation or nonsense-mediated mRNA decay. The c.690_697delAGAAGAGA variant is not observed in large population cohorts (Lek et al., 2016; 1000 Genomes Consortium et al., 2015; Exome Variant Server). We interpret c.690_697delAGAAGAGA as a pathogenic variant.

NM_080632.3(UPF3B):c.690_697del (p.Arg233fs)

Gene: UPF3B (UPF3B regulator of nonsense mediated mRNA decay; minus strand). Cytogenetic location: Xq24.
Variant type: Deletion.
Coding change: c.690_697del on transcript NM_080632.3 (MANE Select); coding-DNA positions 690 to 697, 8 bases deleted (AGAAGAGA; older notation c.690_697delAGAAGAGA).
Protein change: p.Arg233fs; shifts the reading frame from arginine 233.
Molecular consequence: frameshift variant.
Genome position (GRCh38, 1-based): chrX:119,841,186-119,841,193, TCTCTTCT deleted on the plus strand (AGAAGAGA on the coding strand, the reverse complement: UPF3B is on the minus strand); deleting any 8 consecutive bases within chrX:119,841,186-119,841,199 gives the same sequence; the c. name uses the placement nearest the transcript's 3' end. VCF-style (leftmost placement, unchanged base first): chrX-119841185-CTCTCTTCT-C. GRCh37 (hg19) VCF-style: chrX-118975148-CTCTCTTCT-C.
Other names: c.690_697del, p.Arg233fs (NM_023010.4); short protein forms R233fs.
Identifiers: ClinVar variation 429957 (VCV000429957.2), dbSNP rs1131691699, ClinGen allele CA645369760.